The following is an entry in ClinVar:

NM_024656.4(COLGALT1):c.953A>C (p.Lys318Thr)

Gene: COLGALT1 (collagen beta(1-O)galactosyltransferase 1; plus strand). Cytogenetic location: 19p13.11.
Variant type: single nucleotide variant.
Coding change: c.953A>C on transcript NM_024656.4 (MANE Select); coding-DNA position 953, A replaced by C.
Protein change: p.Lys318Thr; replaces lysine 318 with threonine.
Molecular consequence: missense variant.
Genome position (GRCh38, 1-based): chr19:17,577,198, A>C. VCF-style: chr19-17577198-A-C. GRCh37 (hg19) VCF-style: chr19-17688007-A-C.
Other names: c.953A>C (NM_024656.2); short protein forms K318T.
Identifiers: ClinVar variation 1971457 (VCV001971457.6), dbSNP rs977372621, ClinGen allele CA306103381.

ClinVar aggregate classification (germline): Uncertain significance. Review status: criteria provided, multiple submitters, no conflicts (2 of 4 stars). 2 submissions from 2 submitters: Uncertain significance (2). Last evaluated 2025-11-26.

Conditions:
Inborn genetic diseases. Identifiers: MedGen C0950123, MeSH D030342.

Allele frequency attached by ClinVar (database versions not stated): gnomAD exomes 0.00001; TOPMed 0.00001; gnomAD 0.00002.
gnomAD v4.1: 23 of 1,612,680 alleles (0.0014%); highest among the groups gnomAD compares: Non-Finnish European, 0.0019%; no homozygotes.

Submissions (2):

Ambry Genetics
Classification: Uncertain significance for Inborn genetic diseases. Last evaluated: 2025-11-26. Review status: criteria provided, single submitter. Criteria: Ambry Variant Classification Scheme 2023. Collection method: clinical testing. Allele origin: germline.

Labcorp Genetics (formerly Invitae), Labcorp
Classification: Uncertain significance. Last evaluated: 2022-08-19. Review status: criteria provided, single submitter. Criteria: Invitae Variant Classification Sherloc (09022015). Collection method: clinical testing. Allele origin: germline.
Comment: In summary, the available evidence is currently insufficient to determine the role of this variant in disease. Therefore, it has been classified as a Variant of Uncertain Significance. Algorithms developed to predict the effect of missense changes on protein structure and function are either unavailable or do not agree on the potential impact of this missense change (SIFT: "Not Available"; PolyPhen-2: "Benign"; Align-GVGD: "Not Available"). This variant has not been reported in the literature in individuals affected with COLGALT1-related conditions. This variant is present in population databases (no rsID available, gnomAD 0.003%). This sequence change replaces lysine, which is basic and polar, with threonine, which is neutral and polar, at codon 318 of the COLGALT1 protein (p.Lys318Thr).